The following is an entry in ClinVar:

ClinVar aggregate classification (germline): Uncertain significance (1 of 4 stars; one submission).

Submission:

GeneDx
Classification: Uncertain significance. Last evaluated: 2020-01-30. Review status: criteria provided, single submitter. Criteria: GeneDx Variant Classification Process June 2021. Collection method: clinical testing. Allele origin: germline. Affected: yes.
Comment: Not observed in large population cohorts (Lek et al., 2016); Has not been previously published as pathogenic or benign to our knowledge

NM_182961.4(SYNE1):c.3911_3934dup (p.Gly1304_His1311dup)

Gene: SYNE1 (spectrin repeat containing nuclear envelope protein 1; minus strand). Cytogenetic location: 6q25.2.
Variant type: Duplication.
Coding change: c.3911_3934dup on transcript NM_182961.4 (MANE Select); coding-DNA positions 3911 to 3934, 24 bases duplicated (GGGGGCTGCCTGACCGAGGCCACG).
Protein change: p.Gly1304_His1311dup.
Molecular consequence: inframe insertion.
Genome position (GRCh38, 1-based): chr6:152,442,149-152,442,172, CGTGGCCTCGGTCAGGCAGCCCCC duplicated on the plus strand (GGGGGCTGCCTGACCGAGGCCACG on the coding strand, the reverse complement: SYNE1 is on the minus strand); duplicating any 24 consecutive bases within chr6:152,442,149-152,442,173 gives the same sequence; the c. name uses the placement nearest the transcript's 3' end. VCF-style (leftmost placement, unchanged base first): chr6-152442148-T-TCGTGGCCTCGGTCAGGCAGCCCCC. GRCh37 (hg19) VCF-style: chr6-152763283-T-TCGTGGCCTCGGTCAGGCAGCCCCC.
Other names: c.3932_3955dup, p.Gly1311_His1318dup (NM_033071.5).
Identifiers: ClinVar variation 1314686 (VCV001314686.2), dbSNP rs2154233106, ClinGen allele CA2573052619.